The following is an entry in ClinVar:

ClinVar aggregate classification (germline): Pathogenic. Review status: criteria provided, single submitter (1 of 4 stars). 2 submissions from 1 submitter: Pathogenic (2). Last evaluated 2022-07-01.

Conditions:
Bardet-Biedl syndrome (BBS). Identifiers: Orphanet 110, MedGen C0752166, MONDO:0015229.
Glycogen storage disease, type V (GSD5). Also called: MCARDLE DISEASE; MUSCLE GLYCOGEN PHOSPHORYLASE DEFICIENCY; MYOPHOSPHORYLASE DEFICIENCY; PYGM DEFICIENCY; McArdle type glycogen storage disease. Identifiers: Orphanet 368, MedGen C0017924, MONDO:0009293, OMIM 232600.

Submissions (2):

Labcorp Genetics (formerly Invitae), Labcorp
Classification: Pathogenic for Bardet-Biedl syndrome. Last evaluated: 2022-07-01. Review status: criteria provided, single submitter. Criteria: Invitae Variant Classification Sherloc (09022015). Collection method: clinical testing. Allele origin: germline.
Comment: This sequence change is a complex rearrangement involving exon(s) 1-7 of the BBS1 gene. It does not change the copy number of any exons. Although the exact nature of the event is unknown, it is likely that this is a large inversion event including exon(s) 1-7, that would either disrupt the transcription or result in a truncated protein product. Loss-of-function variants in BBS1 are known to be pathogenic (PMID: 12118255, 21520335, 27032803). For these reasons, this variant has been classified as Pathogenic. This variant has not been reported in the literature in individuals affected with BBS1-related conditions.

Labcorp Genetics (formerly Invitae), Labcorp
Classification: Pathogenic for Glycogen storage disease, type V. Last evaluated: 2022-07-01. Review status: criteria provided, single submitter. Criteria: Invitae Variant Classification Sherloc (09022015). Collection method: clinical testing. Allele origin: germline.
Comment: For these reasons, this variant has been classified as Pathogenic. This variant has not been reported in the literature in individuals affected with PYGM-related conditions. This sequence change is a complex rearrangement involving exon(s) 1-7 of the PYGM gene. It does not change the copy number of any exons. Although the exact nature of the event is unknown, it is likely that this is a large inversion event including exon(s) 1-7, that would either disrupt the transcription or result in a truncated protein product. Loss-of-function variants in PYGM are known to be pathogenic (PMID: 8316268, 16786513).

Literature cited by the submitters: PubMed 12118255; PubMed 21520335; PubMed 27032803; PubMed 8316268; PubMed 16786513.

NC_000011.9:g.(?_64522783)_(66283694_?)del

Genes: AP5B1 (adaptor related protein complex 5 subunit beta 1; minus strand), ARL2 (ARF like GTPase 2; plus strand), ATG2A (autophagy related 2A; minus strand), B4GAT1 (beta-1,4-glucuronyltransferase 1; minus strand), BANF1 (barrier to autointegration nuclear assembly factor 1; plus strand) and 78 more. Cytogenetic location: 11q13.1-13.2.
Variant type: Deletion.
Identifiers: ClinVar variation 1449359 (VCV001449359.8).